The following is an entry in ClinVar:

ClinVar aggregate classification (germline): Likely benign. Review status: criteria provided, multiple submitters, no conflicts (2 of 4 stars). 4 submissions from 4 submitters: Likely benign (3). 1 of the submissions does not count toward it. Last evaluated 2025-12-01.

Conditions:
Inborn genetic diseases. Identifiers: MedGen C0950123, MeSH D030342.
Mucopolysaccharidosis type 1. Also called: Mucopolysaccharidosis Type I; IDUA deficiency; MPS I. Identifiers: Orphanet 579, MedGen C0023786, MONDO:0001586.

Allele frequency attached by ClinVar (database versions not stated): gnomAD exomes 0.00002 and 0.00003; ExAC 0.00003; gnomAD 0.00003; TOPMed 0.00003; ESP Exome Variant Server 0.00008.
gnomAD v4.1: 47 of 1,612,418 alleles (0.0029%); highest among the groups gnomAD compares: Non-Finnish European, 0.0037%; no homozygotes.

Submissions (4):

CeGaT Center for Human Genetics Tuebingen
Classification: Likely benign. Last evaluated: 2025-12-01. Review status: criteria provided, single submitter. Criteria: CeGaT Center For Human Genetics Tuebingen Variant Classification Criteria Version 2. Collection method: clinical testing. Allele origin: germline. Affected: yes. Observed: 1 variant allele.
Comment: IDUA: BP4, BP7

Labcorp Genetics (formerly Invitae), Labcorp
Classification: Likely benign for Mucopolysaccharidosis type 1. Last evaluated: 2025-07-22. Review status: criteria provided, single submitter. Criteria: Invitae Variant Classification Sherloc (09022015). Collection method: clinical testing. Allele origin: germline.

Ambry Genetics
Classification: Likely benign for Inborn genetic diseases. Last evaluated: 2021-09-26. Review status: criteria provided, single submitter. Criteria: Ambry Variant Classification Scheme 2023. Collection method: clinical testing. Allele origin: germline.

Natera, Inc.
Classification: Likely benign for Mucopolysaccharidosis type I. Last evaluated: 2019-04-05. Review status: no assertion criteria provided. Collection method: clinical testing. Allele origin: germline. Not counted in ClinVar's aggregate classification.

NM_000203.5(IDUA):c.1776C>T (p.Tyr592=)

Gene: IDUA (alpha-L-iduronidase; plus strand). Cytogenetic location: 4p16.3.
Variant type: single nucleotide variant.
Coding change: c.1776C>T on transcript NM_000203.5 (MANE Select); coding-DNA position 1776, C replaced by T.
Protein change: p.Tyr592=; no amino-acid change (tyrosine 592 retained).
Molecular consequence: synonymous variant. On other transcripts: non-coding transcript variant (1).
Genome position (GRCh38, 1-based): chr4:1,004,060, C>T. VCF-style: chr4-1004060-C-T. GRCh37 (hg19) VCF-style: chr4-997848-C-T.
Other names: c.1776C>T (NM_000203.3); c.1380C>T, p.Tyr460= (NM_001363576.1).
Identifiers: ClinVar variation 1106980 (VCV001106980.20), dbSNP rs372033248, ClinGen allele CA2802405.
Genomic context (GRCh38, chr4:1,004,060, plus strand): 5'-TGACCTCCCCAGGTGCCTGTGGACATACGAGATCCAGTTCTCTCAGGACGGTAAGGCGTA[C>T]ACCCCGGTCAGCAGGAAGCCATCGACCTTCAACCTCTTTGTGTTCAGCCCAGGTGCGCCC-3'
Protein context (NP_000194.2, residues 582-602): EIQFSQDGKA[Tyr592=]TPVSRKPSTF